The following is an entry in ClinVar:

ClinVar aggregate classification (germline): Uncertain significance. Review status: criteria provided, multiple submitters, no conflicts (2 of 4 stars). 3 submissions from 3 submitters: Uncertain significance (3). Last evaluated 2024-07-10.

Allele frequency attached by ClinVar (database versions not stated): gnomAD exomes 0.00001.
gnomAD v4.1: 8 of 1,614,202 alleles (0.0005%); highest among the groups gnomAD compares: Non-Finnish European, 0.00068%; no homozygotes.

Submissions (3):

Labcorp Genetics (formerly Invitae), Labcorp
Classification: Uncertain significance. Last evaluated: 2024-07-10. Review status: criteria provided, single submitter. Criteria: Invitae Variant Classification Sherloc (09022015). Collection method: clinical testing. Allele origin: germline.
Comment: This sequence change replaces phenylalanine, which is neutral and non-polar, with leucine, which is neutral and non-polar, at codon 254 of the ABCA4 protein (p.Phe254Leu). This variant is not present in population databases (gnomAD no frequency). This variant has not been reported in the literature in individuals affected with ABCA4-related conditions. ClinVar contains an entry for this variant (Variation ID: 1307897). Advanced modeling of protein sequence and biophysical properties (such as structural, functional, and spatial information, amino acid conservation, physicochemical variation, residue mobility, and thermodynamic stability) performed at Invitae indicates that this missense variant is not expected to disrupt ABCA4 protein function with a negative predictive value of 80%. In summary, the available evidence is currently insufficient to determine the role of this variant in disease. Therefore, it has been classified as a Variant of Uncertain Significance.

GeneDx
Classification: Uncertain significance. Last evaluated: 2019-08-28. Review status: criteria provided, single submitter. Criteria: GeneDx Variant Classification Process June 2021. Collection method: clinical testing. Allele origin: germline. Affected: yes.
Comment: Not observed in large population cohorts (Lek et al., 2016); In silico analysis, which includes protein predictors and evolutionary conservation, supports that this variant does not alter protein structure/function; Has not been previously published as pathogenic or benign to our knowledge

Blueprint Genetics
Classification: Uncertain significance. Last evaluated: 2018-07-04. Review status: criteria provided, single submitter. Criteria: ACMG Guidelines, 2015. Collection method: clinical testing. Allele origin: germline.

NM_000350.3(ABCA4):c.760T>C (p.Phe254Leu)

Gene: ABCA4 (ATP binding cassette subfamily A member 4; minus strand). Cytogenetic location: 1p22.1.
Variant type: single nucleotide variant.
Coding change: c.760T>C on transcript NM_000350.3 (MANE Select); coding-DNA position 760, T replaced by C.
Protein change: p.Phe254Leu; replaces phenylalanine 254 with leucine.
Molecular consequence: missense variant.
Genome position (GRCh38, 1-based): chr1:94,098,802, A>G on the plus strand (T>C on the coding strand, the complement: ABCA4 is on the minus strand). VCF-style: chr1-94098802-A-G. GRCh37 (hg19) VCF-style: chr1-94564358-A-G.
Other names: c.760T>C, p.Phe254Leu (NM_001425324.1); short protein forms F254L.
Identifiers: ClinVar variation 1307897 (VCV001307897.4), dbSNP rs1662206970, ClinGen allele CA341288770.